The following is an entry in ClinVar:

ClinVar aggregate classification (germline): Uncertain significance (1 of 4 stars; one submission).

Allele frequency attached by ClinVar (database versions not stated): gnomAD exomes below 0.00001; TOPMed below 0.00001.
gnomAD v4.1: 2 of 1,610,510 alleles (0.00012%); highest among the groups gnomAD compares: Non-Finnish European, 0.00017%; no homozygotes.

Submission:

Labcorp Genetics (formerly Invitae), Labcorp
Classification: Uncertain significance. Last evaluated: 2023-10-15. Review status: criteria provided, single submitter. Criteria: Invitae Variant Classification Sherloc (09022015). Collection method: clinical testing. Allele origin: germline.
Comment: This sequence change creates a premature translational stop signal (p.Trp28*) in the LIPI gene. It is expected to result in an absent or disrupted protein product. However, the current clinical and genetic evidence is not sufficient to establish whether loss-of-function variants in LIPI cause disease. This variant is not present in population databases (gnomAD no frequency). This variant has not been reported in the literature in individuals affected with LIPI-related conditions. In summary, the available evidence is currently insufficient to determine the role of this variant in disease. Therefore, it has been classified as a Variant of Uncertain Significance.

NM_001302998.2(LIPI):c.46+3960G>A

Gene: LIPI (lipase I; minus strand). Cytogenetic location: 21q11.2.
Variant type: single nucleotide variant.
Coding change: c.46+3960G>A on transcript NM_001302998.2 (MANE Select); 3960 bases into the intron after coding-DNA position 46, G replaced by A.
Molecular consequence: intron variant. On other transcripts: 5 prime UTR variant (1).
Genome position (GRCh38, 1-based): chr21:14,206,840, C>T on the plus strand (G>A on the coding strand, the complement: LIPI is on the minus strand). VCF-style: chr21-14206840-C-T. GRCh37 (hg19) VCF-style: chr21-15579161-C-T.
Other names: c.46+3960G>A (NM_001302999.2, NM_001379565.1, NM_001303000.2 and 2 more transcripts); c.-115G>A (NM_198996.4).
Identifiers: ClinVar variation 3008069 (VCV003008069.3), dbSNP rs1254268828, ClinGen allele CA409824360.